The following is an entry in ClinVar:

ClinVar aggregate classification (germline): Uncertain significance (1 of 4 stars; one submission).

gnomAD v4.1: 1 of 1,614,134 alleles (0.000062%); highest among the groups gnomAD compares: South Asian, 0.0011%; no homozygotes.

Submission:

Women's Health and Genetics/Laboratory Corporation of America, LabCorp
Classification: Uncertain significance. Last evaluated: 2025-07-15. Review status: criteria provided, single submitter. Criteria: LabCorp Variant Classification Summary - May 2015. Collection method: clinical testing. Allele origin: germline.
Comment: Variant summary: TYR c.239G>C (p.Trp80Ser) results in a non-conservative amino acid change in the encoded protein sequence. Algorithms developed to predict the effect of missense changes on protein structure and function all suggest that this variant is likely to be disruptive. The variant was absent in 251068 control chromosomes. The available data on variant occurrences in the general population are insufficient to allow any conclusion about variant significance. c.239G>C has been observed in individual(s) affected with Oculocutaneous Albinism (example: Kohli_2024). These data do not allow any conclusion about variant significance. The following publication has been ascertained in the context of this evaluation (PMID: 38030918). No submitters have cited clinical-significance assessments for this variant to ClinVar. Based on the evidence outlined above, the variant was classified as uncertain significance.

Literature cited by the submitters: PubMed 38030918.

NM_000372.5(TYR):c.239G>C (p.Trp80Ser)

Gene: TYR (tyrosinase; plus strand). Cytogenetic location: 11q14.3.
Variant type: single nucleotide variant.
Coding change: c.239G>C on transcript NM_000372.5 (MANE Select); coding-DNA position 239, G replaced by C.
Protein change: p.Trp80Ser; replaces tryptophan 80 with serine.
Molecular consequence: missense variant.
Genome position (GRCh38, 1-based): chr11:89,178,192, G>C. VCF-style: chr11-89178192-G-C. GRCh37 (hg19) VCF-style: chr11-88911360-G-C.
Other names: short protein forms W80S.
Identifiers: ClinVar variation 4525914 (VCV004525914.1).